The following is an entry in ClinVar:

NM_004357.5(CD151):c.185A>G (p.Tyr62Cys)

Gene: CD151 (CD151 molecule (Raph blood group); plus strand). Cytogenetic location: 11p15.5.
Variant type: single nucleotide variant.
Coding change: c.185A>G on transcript NM_004357.5 (MANE Select); coding-DNA position 185, A replaced by G.
Protein change: p.Tyr62Cys; replaces tyrosine 62 with cysteine.
Molecular consequence: missense variant.
Genome position (GRCh38, 1-based): chr11:836,351, A>G. VCF-style: chr11-836351-A-G. GRCh37 (hg19) VCF-style: chr11-836351-A-G.
Other names: c.185A>G (NM_004357.4); c.185A>G, p.Tyr62Cys (NM_001039490.2, NM_139029.2, NM_139030.4); short protein forms Y62C.
Identifiers: ClinVar variation 2716653 (VCV002716653.4), dbSNP rs866886079, ClinGen allele CA216985897.

ClinVar aggregate classification (germline): Uncertain significance. Review status: criteria provided, multiple submitters, no conflicts (2 of 4 stars). 2 submissions from 2 submitters: Uncertain significance (2). Last evaluated 2026-06-25.

Conditions:
CD151-related disorder. Also called: CD151-related condition.

Allele frequency attached by ClinVar (database versions not stated): gnomAD exomes 0.00001.
gnomAD v4.1: 16 of 1,612,438 alleles (0.00099%); highest among the groups gnomAD compares: Middle Eastern, 0.049%; no homozygotes.

Submissions (2):

PreventionGenetics, part of Exact Sciences
Classification: Uncertain significance for CD151-related condition. Last evaluated: 2026-06-25. Review status: criteria provided, single submitter. Criteria: ACMG Guidelines, 2015. Collection method: clinical testing. Allele origin: germline.
Comment: The CD151 c.185A>G variant is predicted to result in the amino acid substitution p.Tyr62Cys. To our knowledge, this variant has not been reported in the literature or in a large population database (gnomAD), indicating this variant is rare. At this time, the clinical significance of this variant is uncertain due to the absence of conclusive functional and genetic evidence.

Labcorp Genetics (formerly Invitae), Labcorp
Classification: Uncertain significance. Last evaluated: 2025-06-27. Review status: criteria provided, single submitter. Criteria: Invitae Variant Classification Sherloc (09022015). Collection method: clinical testing. Allele origin: germline.
Comment: This sequence change replaces tyrosine, which is neutral and polar, with cysteine, which is neutral and slightly polar, at codon 62 of the CD151 protein (p.Tyr62Cys). This variant is not present in population databases (gnomAD no frequency). This variant has not been reported in the literature in individuals affected with CD151-related conditions. ClinVar contains an entry for this variant (Variation ID: 2716653). An algorithm developed to predict the effect of missense changes on protein structure and function (PolyPhen-2) suggests that this variant is likely to be disruptive. In summary, the available evidence is currently insufficient to determine the role of this variant in disease. Therefore, it has been classified as a Variant of Uncertain Significance.